The following is an entry in ClinVar:

NM_000051.4(ATM):c.7201del (p.Ile2401fs)

Genes: ATM (ATM serine/threonine kinase; plus strand), C11orf65 (chromosome 11 open reading frame 65; minus strand). Cytogenetic location: 11q22.3.
Variant type: Deletion.
Coding change: c.7201del on transcript NM_000051.4 (MANE Select); coding-DNA position 7201, one base deleted (A; older notation c.7201delA).
Protein change: p.Ile2401fs; shifts the reading frame from isoleucine 2401.
Molecular consequence: frameshift variant. On other transcripts: intron variant (2).
Genome position (GRCh38, 1-based): chr11:108,329,132, A deleted; the last of 2 consecutive A bases (chr11:108,329,131-108,329,132); deleting either gives the same sequence. VCF-style (leftmost placement, unchanged base first): chr11-108329130-GA-G. GRCh37 (hg19) VCF-style: chr11-108199857-GA-G.
Other names: c.7201delA, p.Ile2401Leufs (NM_000051.3); c.7201del, p.Ile2401fs (NM_001351834.2); c.641-20060del (NM_001330368.2); c.*38+6089del (NM_001351110.2); short protein forms I2401fs.
Identifiers: ClinVar variation 1757670 (VCV001757670.4), dbSNP rs2547249026, ClinGen allele CA2580083317.
Genomic context (GRCh38, chr11:108,329,130, plus strand): 5'-GAAATGGAAAAATGAAGGCATTTCTCTCATTAGCCCGGTTTTCAGATACTCAATACCAAA[GA>G]ATTGAAAACTACATGAAATCATCGGAATTTGAAAACAAGCAAGCTCTCCTGAAAAGAGCC-3'

ClinVar aggregate classification (germline): Pathogenic/Likely pathogenic. Review status: criteria provided, multiple submitters, no conflicts (2 of 4 stars). 3 submissions from 3 submitters: Pathogenic (2); Likely pathogenic (1). Last evaluated 2024-05-15.

Conditions:
Ataxia-telangiectasia syndrome (AT). Also called: Ataxia telangiectasia (A-T); LOUIS-BAR SYNDROME; Cerebello-oculocutaneous telangiectasia; Immunodeficiency with ataxia telangiectasia; Ataxia-telangiectasia, complementation group D; AT, COMPLEMENTATION GROUP C. Identifiers: Orphanet 100, MedGen C0004135, MONDO:0008840, OMIM 208900.
Hereditary cancer-predisposing syndrome. Also called: Hereditary neoplastic syndrome; Neoplastic Syndromes, Hereditary; Tumor predisposition; Hereditary Cancer Syndrome. Identifiers: Orphanet 140162, MedGen C0027672, MeSH D009386, MONDO:0015356.

Submissions (3):

Natera, Inc.
Classification: Likely pathogenic for Ataxia-telangiectasia. Last evaluated: 2024-05-15. Review status: criteria provided, single submitter. Criteria: Natera Variant Classification Schema (03/2026). Collection method: clinical testing. Allele origin: germline.
Comment: The c.7201del variant in ATM is a frameshift variant predicted to shift the reading frame beginning at codon 2401 and leads to a stop codon 5 codons downstream. This variant is expected to result in nonsense mediated decay, truncation, or a dysfunctional protein product. This variant is rare in the general population with a frequency below the threshold expected for the associated phenotype(s). Given the available evidence, this variant is classified as Likely Pathogenic.

Labcorp Genetics (formerly Invitae), Labcorp
Classification: Pathogenic for Ataxia-telangiectasia syndrome. Last evaluated: 2024-04-11. Review status: criteria provided, single submitter. Criteria: Invitae Variant Classification Sherloc (09022015). Collection method: clinical testing. Allele origin: germline.
Comment: This sequence change creates a premature translational stop signal (p.Ile2401Leufs*5) in the ATM gene. It is expected to result in an absent or disrupted protein product. Loss-of-function variants in ATM are known to be pathogenic (PMID: 23807571, 25614872). This variant is not present in population databases (gnomAD no frequency). This variant has not been reported in the literature in individuals affected with ATM-related conditions. ClinVar contains an entry for this variant (Variation ID: 1757670). For these reasons, this variant has been classified as Pathogenic.

Ambry Genetics
Classification: Pathogenic for Hereditary cancer-predisposing syndrome. Last evaluated: 2022-06-15. Review status: criteria provided, single submitter. Criteria: Ambry Variant Classification Scheme 2023. Collection method: clinical testing. Allele origin: germline.
Comment: The c.7201delA pathogenic mutation, located in coding exon 48 of the ATM gene, results from a deletion of one nucleotide at nucleotide position 7201, causing a translational frameshift with a predicted alternate stop codon (p.I2401Lfs*5). This variant is considered to be rare based on population cohorts in the Genome Aggregation Database (gnomAD). This alteration is expected to result in loss of function by premature protein truncation or nonsense-mediated mRNA decay. As such, this alteration is interpreted as a disease-causing mutation.

Literature cited by the submitters: PubMed 23807571 (cited by Labcorp Genetics (formerly Invitae), Labcorp); PubMed 25614872 (cited by Labcorp Genetics (formerly Invitae), Labcorp).